The following is an entry in ClinVar:

ClinVar aggregate classification (germline): Likely pathogenic (1 of 4 stars; one submission).

Conditions:
DOCK2 deficiency. Also called: Immunodeficiency 40. Identifiers: Orphanet 447737, MedGen C4225328, MONDO:0014637, OMIM 616433.

Submission:

Labcorp Genetics (formerly Invitae), Labcorp
Classification: Likely pathogenic for Immunodeficiency 40. Last evaluated: 2019-05-14. Review status: criteria provided, single submitter. Criteria: Invitae Variant Classification Sherloc (09022015). Collection method: clinical testing. Allele origin: germline.
Comment: This sequence change affects a donor splice site in intron 18 of the DOCK2 gene. It is expected to disrupt RNA splicing and likely results in an absent or disrupted protein product. This variant is not present in population databases (ExAC no frequency). This variant has not been reported in the literature in individuals with DOCK2-related conditions. Donor and acceptor splice site variants typically lead to a loss of protein function (PMID: 16199547), and loss-of-function variants in DOCK2 are known to be pathogenic (PMID: 26083206). In summary, the currently available evidence indicates that the variant is pathogenic, but additional data are needed to prove that conclusively. Therefore, this variant has been classified as Likely Pathogenic.

Literature cited by the submitters: PubMed 26083206.

NM_004946.3(DOCK2):c.1843+1G>T

Gene: DOCK2 (dedicator of cytokinesis 2; plus strand). Cytogenetic location: 5q35.1.
Variant type: single nucleotide variant.
Coding change: c.1843+1G>T on transcript NM_004946.3 (MANE Select); the canonical splice donor site of the intron after coding-DNA position 1843, G replaced by T.
Molecular consequence: splice donor variant.
Genome position (GRCh38, 1-based): chr5:169,714,212, G>T. VCF-style: chr5-169714212-G-T. GRCh37 (hg19) VCF-style: chr5-169141216-G-T.
Identifiers: ClinVar variation 846770 (VCV000846770.1), dbSNP rs1761749097, ClinGen allele CA362108053.
Genomic context (GRCh38, chr5:169,714,212, plus strand): 5'-GCTCCCGGGATGTGTTCTCCATTTCCACCCTGGTGTGCTCCACAAAGCTCACTCAGAATG[G>T]TAATCGGGTCATCAAGAGTTGTGTCTGTGGGGAGTGTGTGTGTCCGTGTGTGTGTACATG-3'